The following is an entry in ClinVar:

NM_002519.3(NPAT):c.3124G>A (p.Glu1042Lys)

Gene: NPAT (nuclear protein, coactivator of histone transcription; minus strand). Cytogenetic location: 11q22.3.
Variant type: single nucleotide variant.
Coding change: c.3124G>A on transcript NM_002519.3 (MANE Select); coding-DNA position 3124, G replaced by A.
Protein change: p.Glu1042Lys; replaces glutamic acid 1042 with lysine.
Molecular consequence: missense variant.
Genome position (GRCh38, 1-based): chr11:108,161,962, C>T on the plus strand (G>A on the coding strand, the complement: NPAT is on the minus strand). VCF-style: chr11-108161962-C-T. GRCh37 (hg19) VCF-style: chr11-108032689-C-T.
Other names: c.3145G>A, p.Glu1049Lys (NM_001321307.1); short protein forms E1049K, E1042K.
Identifiers: ClinVar variation 2819113 (VCV002819113.3), dbSNP rs1221441251, ClinGen allele CA382511477.
Genomic context (GRCh38, chr11:108,161,962, plus strand): 5'-GTCTGTGGCATGGTTTAGCAGCTGGAACTATACTCTCTTCTGGGAAGGGAACTGTGGTTT[C>T]TTCTGATTTTTTCCCAAGATCTGTGGCAATACTTTTGTCAGAAACTTCAGTTCTAAAACA-3'
Protein context (NP_002510.2, residues 1032-1052): IATDLGKKSE[Glu1042Lys]TTVPFPEESI

ClinVar aggregate classification (germline): Uncertain significance (1 of 4 stars; one submission).

Submission:

Labcorp Genetics (formerly Invitae), Labcorp
Classification: Uncertain significance. Last evaluated: 2022-12-07. Review status: criteria provided, single submitter. Criteria: Invitae Variant Classification Sherloc (09022015). Collection method: clinical testing. Allele origin: germline.
Comment: In summary, the available evidence is currently insufficient to determine the role of this variant in disease. Therefore, it has been classified as a Variant of Uncertain Significance. Algorithms developed to predict the effect of missense changes on protein structure and function are either unavailable or do not agree on the potential impact of this missense change (SIFT: "Deleterious"; PolyPhen-2: "Possibly Damaging"; Align-GVGD: "Class C0"). This variant has not been reported in the literature in individuals affected with NPAT-related conditions. This variant is not present in population databases (gnomAD no frequency). This sequence change replaces glutamic acid, which is acidic and polar, with lysine, which is basic and polar, at codon 1042 of the NPAT protein (p.Glu1042Lys).